The following is an entry in ClinVar:

NM_145290.4(ADGRA3):c.2130C>A (p.Asn710Lys)

Gene: ADGRA3 (adhesion G protein-coupled receptor A3; minus strand). Cytogenetic location: 4p15.2.
Variant type: single nucleotide variant.
Coding change: c.2130C>A on transcript NM_145290.4 (MANE Select); coding-DNA position 2130, C replaced by A.
Protein change: p.Asn710Lys; replaces asparagine 710 with lysine.
Molecular consequence: missense variant.
Genome position (GRCh38, 1-based): chr4:22,413,284, G>T on the plus strand (C>A on the coding strand, the complement: ADGRA3 is on the minus strand). VCF-style: chr4-22413284-G-T. GRCh37 (hg19) VCF-style: chr4-22414907-G-T.
Other names: short protein forms N710K.
Identifiers: ClinVar variation 1040873 (VCV001040873.8), dbSNP rs747575122, ClinGen allele CA2873728.

ClinVar aggregate classification (germline): Uncertain significance (1 of 4 stars; one submission).

Allele frequency attached by ClinVar (database versions not stated): TOPMed 0.00009.
gnomAD v4.1: 6 of 1,613,832 alleles (0.00037%); highest among the groups gnomAD compares: African/African-American, 0.0027%; no homozygotes.

Submission:

Labcorp Genetics (formerly Invitae), Labcorp
Classification: Uncertain significance. Last evaluated: 2025-12-23. Review status: criteria provided, single submitter. Criteria: Invitae Variant Classification Sherloc (09022015). Collection method: clinical testing. Allele origin: germline.
Comment: This sequence change replaces asparagine, which is neutral and polar, with lysine, which is basic and polar, at codon 710 of the ADGRA3 protein (p.Asn710Lys). This variant is present in population databases (rs747575122, gnomAD 0.004%). This variant has not been reported in the literature in individuals affected with ADGRA3-related conditions. ClinVar contains an entry for this variant (Variation ID: 1040873). An algorithm developed to predict the effect of missense changes on protein structure and function (PolyPhen-2) suggests that this variant is likely to be disruptive. In summary, the available evidence is currently insufficient to determine the role of this variant in disease. Therefore, it has been classified as a Variant of Uncertain Significance.